The following is an entry in ClinVar:

NM_005027.4(PIK3R2):c.258C>T (p.Pro86=)

Gene: PIK3R2 (phosphoinositide-3-kinase regulatory subunit 2; plus strand). Cytogenetic location: 19p13.11.
Variant type: single nucleotide variant.
Coding change: c.258C>T on transcript NM_005027.4 (MANE Select); coding-DNA position 258, C replaced by T.
Protein change: p.Pro86=; no amino-acid change (proline 86 retained).
Molecular consequence: synonymous variant. On other transcripts: non-coding transcript variant (2).
Genome position (GRCh38, 1-based): chr19:18,156,137, C>T. VCF-style: chr19-18156137-C-T. GRCh37 (hg19) VCF-style: chr19-18266947-C-T.
Identifiers: ClinVar variation 737916 (VCV000737916.10), dbSNP rs565485814, ClinGen allele CA9306671.

ClinVar aggregate classification (germline): Likely benign. Review status: criteria provided, multiple submitters, no conflicts (2 of 4 stars). 3 submissions from 3 submitters: Likely benign (3). Last evaluated 2025-11-03.

Conditions:
Megalencephaly-polymicrogyria-postaxial polydactyly-hydrocephalus syndrome. Also called: MEG-PMG-MEGACC SYNDROME; MPPH Syndrome. Identifiers: Orphanet 83473, MedGen C1863924, MONDO:0019375.
PIK3R2-related disorder. Also called: PIK3R2-related condition.

Allele frequency attached by ClinVar (database versions not stated): gnomAD 0.00009 and 0.00011; TOPMed 0.00011; gnomAD exomes 0.00014; ExAC 0.00021; 1000 Genomes Project 0.00040; 1000 Genomes Project 30x 0.00047.
gnomAD v4.1: 170 of 1,484,166 alleles (0.011%); highest among the groups gnomAD compares: East Asian, 0.031%; 1 homozygote.

Submissions (3):

Labcorp Genetics (formerly Invitae), Labcorp
Classification: Likely benign for Megalencephaly-polymicrogyria-postaxial polydactyly-hydrocephalus syndrome. Last evaluated: 2025-11-03. Review status: criteria provided, single submitter. Criteria: Invitae Variant Classification Sherloc (09022015). Collection method: clinical testing. Allele origin: germline.

PreventionGenetics, part of Exact Sciences
Classification: Likely benign for PIK3R2-related condition. Last evaluated: 2024-12-04. Review status: criteria provided, single submitter. Criteria: ACMG Guidelines, 2015. Collection method: clinical testing. Allele origin: germline.
Comment: This variant is classified as likely benign based on ACMG/AMP sequence variant interpretation guidelines (Richards et al. 2015 PMID: 25741868, with internal and published modifications).

Blueprint Genetics
Classification: Likely benign. Last evaluated: 2022-09-28. Review status: criteria provided, single submitter. Criteria: ACMG Guidelines, 2015. Collection method: clinical testing. Allele origin: germline.